The following is an entry in ClinVar:

NM_005477.3(HCN4):c.1512C>T (p.Thr504=)

Gene: HCN4 (hyperpolarization activated cyclic nucleotide gated potassium channel 4; minus strand). Cytogenetic location: 15q24.1.
Variant type: single nucleotide variant.
Coding change: c.1512C>T on transcript NM_005477.3 (MANE Select); coding-DNA position 1512, C replaced by T.
Protein change: p.Thr504=; no amino-acid change (threonine 504 retained).
Molecular consequence: synonymous variant.
Genome position (GRCh38, 1-based): chr15:73,329,651, G>A on the plus strand (C>T on the coding strand, the complement: HCN4 is on the minus strand). VCF-style: chr15-73329651-G-A. GRCh37 (hg19) VCF-style: chr15-73621992-G-A.
Other names: c.1512C>T (NM_005477.2).
Identifiers: ClinVar variation 1098043 (VCV001098043.12), dbSNP rs754956009, ClinGen allele CA7649284.
Genomic context (GRCh38, chr15:73,329,651, plus strand): 5'-CCGGGAGGAGTCCAGGGACTGGATGAGGGCAGTGGCGTGGCCAATGAACATGGCGTAGCA[G>A]GTGGCACCCACGATCATGCTGAGCATGGTGAGCCAGACGTCGGACATGCCCACGGGCGCC-3'
Protein context (NP_005468.1, residues 494-514): LTMLSMIVGA[Thr504=]CYAMFIGHAT

ClinVar aggregate classification (germline): Likely benign. Review status: criteria provided, multiple submitters, no conflicts (2 of 4 stars). 3 submissions from 3 submitters: Likely benign (2). 1 of the submissions does not count toward it. Last evaluated 2025-11-06.

Conditions:
HCN4-related disorder. Also called: HCN4-related condition.
Brugada syndrome 8 (BRGDA8). Identifiers: Orphanet 130, MedGen C2751083, MONDO:0013148, OMIM 613123.
Cardiovascular phenotype. Identifiers: MedGen CN230736.

Allele frequency attached by ClinVar (database versions not stated): TOPMed below 0.00001; ExAC 0.00002; gnomAD 0.00002; gnomAD exomes 0.00003 and 0.00006.
gnomAD v4.1: 51 of 1,614,090 alleles (0.0032%); highest among the groups gnomAD compares: South Asian, 0.056%; no homozygotes.

Submissions (3):

Labcorp Genetics (formerly Invitae), Labcorp
Classification: Likely benign for Brugada syndrome 8. Last evaluated: 2025-11-06. Review status: criteria provided, single submitter. Criteria: Invitae Variant Classification Sherloc (09022015). Collection method: clinical testing. Allele origin: germline.

Ambry Genetics
Classification: Likely benign for Cardiovascular phenotype. Last evaluated: 2025-10-05. Review status: criteria provided, single submitter. Criteria: Ambry Variant Classification Scheme 2023. Collection method: clinical testing. Allele origin: germline.

PreventionGenetics, part of Exact Sciences
Classification: Likely benign for HCN4-related condition. Last evaluated: 2023-12-24. Review status: no assertion criteria provided. Collection method: clinical testing. Allele origin: germline. Not counted in ClinVar's aggregate classification.
Comment: This variant is classified as likely benign based on ACMG/AMP sequence variant interpretation guidelines (Richards et al. 2015 PMID: 25741868, with internal and published modifications).